The following is an entry in ClinVar:

ClinVar aggregate classification (germline): Uncertain significance (1 of 4 stars; one submission).

Submission:

GeneDx
Classification: Uncertain significance. Last evaluated: 2019-10-04. Review status: criteria provided, single submitter. Criteria: GeneDx Variant Classification Process June 2021. Collection method: clinical testing. Allele origin: germline. Affected: yes.
Comment: Not observed in large population cohorts (Lek et al., 2016); In-frame deletion of 1 amino acid in a non-repeat region; In silico analysis, which includes protein predictors and evolutionary conservation, supports a deleterious effect; Has not been previously published as pathogenic or benign to our knowledge

NM_003036.4(SKI):c.1840_1842del (p.Lys614del)

Gene: SKI (SKI proto-oncogene; plus strand). Cytogenetic location: 1p36.32.
Variant type: Deletion.
Coding change: c.1840_1842del on transcript NM_003036.4 (MANE Select); coding-DNA positions 1840 to 1842, 3 bases deleted (AAG; older notation c.1840_1842delAAG).
Protein change: p.Lys614del; deletes lysine 614.
Molecular consequence: inframe deletion.
Genome position (GRCh38, 1-based): chr1:2,306,092-2,306,094, AAG deleted; deleting any 3 consecutive bases within chr1:2,306,091-2,306,094 gives the same sequence; the c. name uses the placement nearest the transcript's 3' end. VCF-style (leftmost placement, unchanged base first): chr1-2306090-GGAA-G. GRCh37 (hg19) VCF-style: chr1-2237529-GGAA-G.
Other names: short protein forms K614del.
Identifiers: ClinVar variation 1308989 (VCV001308989.2), dbSNP rs2100924042, ClinGen allele CA2573051507.
Genomic context (GRCh38, chr1:2,306,090, plus strand): 5'-TCCTACGCGTGGCCAAGAAGGAGAAGCTGCGGGAGGCCACGGAGGCCAAGCGTAACCTGC[GGAA>G]GGAGATCGAGCGTCTCCGCGCCGAGAACGAGAAGAAGATGAAAGAGGCCAACGAGTCACG-3'